The following is an entry in ClinVar:

NM_000020.3(ACVRL1):c.788A>T (p.Asp263Val)

Gene: ACVRL1 (activin A receptor like type 1; plus strand). Cytogenetic location: 12q13.13.
Variant type: single nucleotide variant.
Coding change: c.788A>T on transcript NM_000020.3 (MANE Select); coding-DNA position 788, A replaced by T.
Protein change: p.Asp263Val; replaces aspartic acid 263 with valine.
Molecular consequence: missense variant.
Genome position (GRCh38, 1-based): chr12:51,915,240, A>T. VCF-style: chr12-51915240-A-T. GRCh37 (hg19) VCF-style: chr12-52309024-A-T.
Other names: c.788A>T, p.Asp263Val (NM_001077401.2, NM_001406487.1, NM_001406488.1 and 1 more transcripts); c.476A>T, p.Asp159Val (NM_001406490.1, NM_001406491.1, NM_001406492.1 and 2 more transcripts); c.224A>T, p.Asp75Val (NM_001406495.1); short protein forms D159V, D263V, D75V.
Identifiers: ClinVar variation 3635223 (VCV003635223.2).
Genomic context (GRCh38, chr12:51,915,240, plus strand): 5'-TAGCCCCAGCCCCTTGGCTGAGTCACCCAACCTTTCTGCACACAGGCTTCATCGCCTCAG[A>T]CATGACCTCCCGCAACTCGAGCACGCAGCTGTGGCTCATCACGCACTACCACGAGCACGG-3'
Protein context (NP_000011.2, residues 253-273): HDNILGFIAS[Asp263Val]MTSRNSSTQL

ClinVar aggregate classification (germline): Likely pathogenic (1 of 4 stars; one submission).

Conditions:
Telangiectasia, hereditary hemorrhagic, type 2 (HHT2). Also called: ACVRL1-Related Hereditary Hemorrhagic Telangiectasia; Telangiectasia, hereditary hemorrhagic, type II. Identifiers: Orphanet 774, MedGen C1838163, MONDO:0010880, OMIM 600376. Disease mechanism: loss of function.

Submission:

Labcorp Genetics (formerly Invitae), Labcorp
Classification: Likely pathogenic for Telangiectasia, hereditary hemorrhagic, type 2. Last evaluated: 2024-11-24. Review status: criteria provided, single submitter. Criteria: Invitae Variant Classification Sherloc (09022015). Collection method: clinical testing. Allele origin: germline.
Comment: This sequence change replaces aspartic acid, which is acidic and polar, with valine, which is neutral and non-polar, at codon 263 of the ACVRL1 protein (p.Asp263Val). This variant is not present in population databases (gnomAD no frequency). This missense change has been observed in individual(s) with hereditary hemorrhagic telangiectasia (internal data). Invitae Evidence Modeling of protein sequence and biophysical properties (such as structural, functional, and spatial information, amino acid conservation, physicochemical variation, residue mobility, and thermodynamic stability) indicates that this missense variant is expected to disrupt ACVRL1 protein function with a positive predictive value of 95%. This variant disrupts the p.Asp263 amino acid residue in ACVRL1. Other variant(s) that disrupt this residue have been determined to be pathogenic (internal data). This suggests that this residue is clinically significant, and that variants that disrupt this residue are likely to be disease-causing. In summary, the currently available evidence indicates that the variant is pathogenic, but additional data are needed to prove that conclusively. Therefore, this variant has been classified as Likely Pathogenic.